The following is an entry in ClinVar:

NM_005257.6(GATA6):c.1403G>A (p.Cys468Tyr)

Gene: GATA6 (GATA binding protein 6; plus strand). Cytogenetic location: 18q11.2.
Variant type: single nucleotide variant.
Coding change: c.1403G>A on transcript NM_005257.6 (MANE Select); coding-DNA position 1403, G replaced by A.
Protein change: p.Cys468Tyr; replaces cysteine 468 with tyrosine.
Molecular consequence: missense variant.
Genome position (GRCh38, 1-based): chr18:22,181,553, G>A. VCF-style: chr18-22181553-G-A. GRCh37 (hg19) VCF-style: chr18-19761514-G-A.
Other names: short protein forms C468Y.
Identifiers: ClinVar variation 3905693 (VCV003905693.10).

ClinVar aggregate classification (germline): Likely pathogenic (1 of 4 stars; one submission).

Submission:

CeGaT Center for Human Genetics Tuebingen
Classification: Likely pathogenic. Last evaluated: 2025-04-01. Review status: criteria provided, single submitter. Criteria: CeGaT Center For Human Genetics Tuebingen Variant Classification Criteria Version 2. Collection method: clinical testing. Allele origin: germline. Affected: yes. Observed: 1 variant allele.
Comment: GATA6: PM2, PP1, PP2, PP3, PS3:Supporting, PS4:Supporting